The following is an entry in ClinVar:

ClinVar aggregate classification (germline): Pathogenic/Likely pathogenic. Review status: criteria provided, multiple submitters, no conflicts (2 of 4 stars). 2 submissions from 2 submitters: Pathogenic (1); Likely pathogenic (1). Last evaluated 2022-04-14.

Conditions:
Retinitis pigmentosa 41 (RP41). Also called: RETINAL DEGENERATION, AUTOSOMAL RECESSIVE, PROMININ-RELATED. Identifiers: Orphanet 791, MedGen C2677516, MONDO:0012796, OMIM 612095.

Submissions (2):

Labcorp Genetics (formerly Invitae), Labcorp
Classification: Pathogenic. Last evaluated: 2022-04-14. Review status: criteria provided, single submitter. Criteria: Invitae Variant Classification Sherloc (09022015). Collection method: clinical testing. Allele origin: germline.
Comment: This variant has not been reported in the literature in individuals affected with PROM1-related conditions. This variant is not present in population databases (gnomAD no frequency). This sequence change creates a premature translational stop signal (p.Tyr652*) in the PROM1 gene. It is expected to result in an absent or disrupted protein product. Loss-of-function variants in PROM1 are known to be pathogenic (PMID: 17605048, 19718270, 24154662, 25474345). ClinVar contains an entry for this variant (Variation ID: 1213882). For these reasons, this variant has been classified as Pathogenic. Algorithms developed to predict the effect of sequence changes on RNA splicing suggest that this variant may create or strengthen a splice site.

DBGen Ocular Genomics
Classification: Likely pathogenic for Retinitis pigmentosa 41. Last evaluated: 2021-06-21. Review status: criteria provided, single submitter. Criteria: ACMG Guidelines, 2015. Collection method: clinical testing. Allele origin: germline. Affected: yes. Observed: 2 variant alleles.

Literature cited by the submitters: PubMed 17605048 (cited by Labcorp Genetics (formerly Invitae), Labcorp); PubMed 19718270 (cited by Labcorp Genetics (formerly Invitae), Labcorp); PubMed 24154662 (cited by Labcorp Genetics (formerly Invitae), Labcorp); PubMed 25474345 (cited by Labcorp Genetics (formerly Invitae), Labcorp).

NM_006017.3(PROM1):c.1956T>G (p.Tyr652Ter)

Gene: PROM1 (prominin 1; minus strand). Cytogenetic location: 4p15.32.
Variant type: single nucleotide variant.
Coding change: c.1956T>G on transcript NM_006017.3 (MANE Select); coding-DNA position 1956, T replaced by G.
Protein change: p.Tyr652Ter; replaces tyrosine 652 with a stop codon.
Molecular consequence: nonsense.
Genome position (GRCh38, 1-based): chr4:15,991,249, A>C on the plus strand (T>G on the coding strand, the complement: PROM1 is on the minus strand). VCF-style: chr4-15991249-A-C. GRCh37 (hg19) VCF-style: chr4-15992872-A-C.
Other names: c.1929T>G, p.Tyr643Ter (NM_001145847.2, NM_001145848.2, NM_001145851.2 and 4 more transcripts); c.1956T>G, p.Tyr652Ter (NM_001145849.2, NM_001145850.2); short protein forms Y643*, Y652*.
Identifiers: ClinVar variation 1213882 (VCV001213882.7), dbSNP rs2149113303, ClinGen allele CA356430439.